The following is an entry in ClinVar:

ClinVar aggregate classification (germline): Conflicting classifications of pathogenicity. Review status: criteria provided, conflicting classifications (1 of 4 stars). 4 submissions from 4 submitters: Uncertain significance (3); Likely benign (1). Last evaluated 2023-11-13.

Conditions:
Intellectual developmental disorder, autosomal dominant 1. Also called: Intellectual disability, autosomal dominant 1; MBD5 Haploinsufficiency. Identifiers: Orphanet 228402, MedGen C1969562, MONDO:0007974, OMIM 156200.

Allele frequency attached by ClinVar (database versions not stated): gnomAD exomes below 0.00001; ExAC 0.00001; gnomAD 0.00001.
gnomAD v4.1: 3 of 1,604,942 alleles (0.00019%); highest among the groups gnomAD compares: Non-Finnish European, 0.00026%; no homozygotes.

Submissions (4):

Labcorp Genetics (formerly Invitae), Labcorp
Classification: Uncertain significance for Intellectual developmental disorder, autosomal dominant 1. Last evaluated: 2023-11-13. Review status: criteria provided, single submitter. Criteria: Invitae Variant Classification Sherloc (09022015). Collection method: clinical testing. Allele origin: germline.
Comment: This sequence change replaces isoleucine, which is neutral and non-polar, with valine, which is neutral and non-polar, at codon 69 of the MBD5 protein (p.Ile69Val). This variant is present in population databases (rs749163361, gnomAD 0.0009%). This variant has not been reported in the literature in individuals affected with MBD5-related conditions. ClinVar contains an entry for this variant (Variation ID: 206057). Advanced modeling of protein sequence and biophysical properties (such as structural, functional, and spatial information, amino acid conservation, physicochemical variation, residue mobility, and thermodynamic stability) performed at Invitae indicates that this missense variant is not expected to disrupt MBD5 protein function with a negative predictive value of 80%. In summary, the available evidence is currently insufficient to determine the role of this variant in disease. Therefore, it has been classified as a Variant of Uncertain Significance.

Women's Health and Genetics/Laboratory Corporation of America, LabCorp
Classification: Uncertain significance. Last evaluated: 2023-06-19. Review status: criteria provided, single submitter. Criteria: LabCorp Variant Classification Summary - May 2015. Collection method: clinical testing. Allele origin: germline.
Comment: Variant summary: MBD5 c.205A>G (p.Ile69Val) results in a conservative amino acid change located in the methyl-CpG-DNA binding domain (IPR001739) of the encoded protein sequence. Four of five in-silico tools predict a benign effect of the variant on protein function. The variant allele was found at a frequency of 4e-06 in 250988 control chromosomes (gnomAD). The available data on variant occurrences in the general population are insufficient to allow any conclusion about variant significance. To our knowledge, no occurrence of c.205A>G in individuals affected with MBD5 Associated Neurodevelopmental Disorder and no experimental evidence demonstrating its impact on protein function have been reported. One submitter has provided a clinical-significance assessment for this variant to ClinVar after 2014 without evidence for independent evaluation and has classified the variant as likely benign. Based on the evidence outlined above, the variant was classified as uncertain significance.

Genetic Services Laboratory, University of Chicago
Classification: Likely benign. Last evaluated: 2017-02-06. Review status: criteria provided, single submitter. Criteria: ACMG Guidelines, 2015. Collection method: clinical testing. Allele origin: germline. Affected: no.

GeneDx
Classification: Uncertain significance. Last evaluated: 2014-06-06. Review status: criteria provided, single submitter. Criteria: GeneDx Variant Classification (06012015). Collection method: clinical testing. Allele origin: germline. Affected: yes.
Comment: p.Ile69Val (ATT>GTT): c.205 A>G in exon 7 of the MBD5 gene (NM_018328.4) The I69V variant has not been published as a mutation, nor has it been reported as a benign polymorphism to our knowledge. It was not observed in approximately 6,500 individuals of European and African American ancestry in the NHLBI Exome Sequencing Project, indicating it is not a common benign variant in these populations. However, the I69V variant is a conservative amino acid substitution, which is not likely to impact secondary protein structure as these residues share similar properties. Additionally, this substitution occurs at a position that is not conserved with Valine observed at this position in multiple species, and in silico analysis predicts this variant likely does not alter the protein structure/function. To our knowledge, only deletions and frameshift mutations in MBD5 have been published in association with epilepsy. The variant is found in EPILEPSY panel(s).

NM_001378120.1(MBD5):c.205A>G (p.Ile69Val)

Gene: MBD5 (methyl-CpG binding domain protein 5; plus strand). Cytogenetic location: 2q23.1.
Variant type: single nucleotide variant.
Coding change: c.205A>G on transcript NM_001378120.1 (MANE Select); coding-DNA position 205, A replaced by G.
Protein change: p.Ile69Val; replaces isoleucine 69 with valine.
Molecular consequence: missense variant.
Genome position (GRCh38, 1-based): chr2:148,462,673, A>G. VCF-style: chr2-148462673-A-G. GRCh37 (hg19) VCF-style: chr2-149220242-A-G.
Other names: p.I69V:ATT>GTT; c.205A>G, p.Ile69Val (NM_018328.5); short protein forms I69V.
Identifiers: ClinVar variation 206057 (VCV000206057.11), dbSNP rs749163361, ClinGen allele CA315770.
Genomic context (GRCh38, chr2:148,462,673, plus strand): 5'-CAGGTTAAAACATACCTGCTTACTGATGGAACATGCAAGTGTGGCTTGGAATGTCCTCTT[A>G]TTCTTCCCAAGGTAACCATTTCACAATAGATCTACAGCAGTGTTTTATTTTTTAGGTATT-3'
Protein context (NP_001365049.1, residues 59-79): TCKCGLECPL[Ile69Val]LPKVFNFDPG